The following is an entry in ClinVar:

NM_001366385.1(CARD14):c.1024C>T (p.Leu342Phe)

Gene: CARD14 (caspase recruitment domain family member 14; plus strand). Cytogenetic location: 17q25.3.
Variant type: single nucleotide variant.
Coding change: c.1024C>T on transcript NM_001366385.1 (MANE Select); coding-DNA position 1024, C replaced by T.
Protein change: p.Leu342Phe; replaces leucine 342 with phenylalanine.
Molecular consequence: missense variant.
Genome position (GRCh38, 1-based): chr17:80,190,834, C>T. VCF-style: chr17-80190834-C-T. GRCh37 (hg19) VCF-style: chr17-78164633-C-T.
Other names: c.1024C>T, p.Leu342Phe (NM_001257970.1, NM_024110.4); c.313C>T, p.Leu105Phe (NM_052819.3); short protein forms L342F, L105F.
Identifiers: ClinVar variation 4790100 (VCV004790100.1).

ClinVar aggregate classification (germline): Uncertain significance (1 of 4 stars; one submission).

Conditions:
Pityriasis rubra pilaris (PRP). Also called: Pityriasis rubra pilaris--familial type. Identifiers: Orphanet 2897, MedGen C0032027, MONDO:0100017, OMIM 173200, MONDO:0008251.
Psoriasis 2. Identifiers: MedGen C1864497, MONDO:0011269, OMIM 602723.

gnomAD v4.1: 27 of 1,614,020 alleles (0.0017%); highest among the groups gnomAD compares: Non-Finnish European, 0.0023%; no homozygotes.

Submission:

Labcorp Genetics (formerly Invitae), Labcorp
Classification: Uncertain significance for Pityriasis rubra pilaris; Psoriasis 2. Last evaluated: 2025-09-22. Review status: criteria provided, single submitter. Criteria: Invitae Variant Classification Sherloc (09022015). Collection method: clinical testing. Allele origin: germline.
Comment: This sequence change replaces leucine, which is neutral and non-polar, with phenylalanine, which is neutral and non-polar, at codon 342 of the CARD14 protein (p.Leu342Phe). This variant is not present in population databases (gnomAD no frequency). This variant has not been reported in the literature in individuals affected with CARD14-related conditions. Invitae Evidence Modeling of protein sequence and biophysical properties (such as structural, functional, and spatial information, amino acid conservation, physicochemical variation, residue mobility, and thermodynamic stability) indicates that this missense variant is not expected to disrupt CARD14 protein function with a negative predictive value of 95%. In summary, the available evidence is currently insufficient to determine the role of this variant in disease. Therefore, it has been classified as a Variant of Uncertain Significance.